The following is an entry in ClinVar:

NM_001374259.2(IL12RB2):c.607G>A (p.Val203Ile)

Gene: IL12RB2 (interleukin 12 receptor subunit beta 2; plus strand). Cytogenetic location: 1p31.3.
Variant type: single nucleotide variant.
Coding change: c.607G>A on transcript NM_001374259.2 (MANE Select); coding-DNA position 607, G replaced by A.
Protein change: p.Val203Ile; replaces valine 203 with isoleucine.
Molecular consequence: missense variant. On other transcripts: non-coding transcript variant (2).
Genome position (GRCh38, 1-based): chr1:67,328,327, G>A. VCF-style: chr1-67328327-G-A. GRCh37 (hg19) VCF-style: chr1-67794010-G-A.
Other names: c.607G>A, p.Val203Ile (NM_001258214.1, NM_001258215.1, NM_001258216.1 and 2 more transcripts); short protein forms V203I.
Identifiers: ClinVar variation 3718124 (VCV003718124.2).

ClinVar aggregate classification (germline): Uncertain significance (1 of 4 stars; one submission).

gnomAD v4.1: 5 of 1,614,034 alleles (0.00031%); highest among the groups gnomAD compares: Admixed American, 0.0033%; no homozygotes.

Submission:

Labcorp Genetics (formerly Invitae), Labcorp
Classification: Uncertain significance. Last evaluated: 2024-11-27. Review status: criteria provided, single submitter. Criteria: Invitae Variant Classification Sherloc (09022015). Collection method: clinical testing. Allele origin: germline.
Comment: This sequence change replaces valine, which is neutral and non-polar, with isoleucine, which is neutral and non-polar, at codon 203 of the IL12RB2 protein (p.Val203Ile). This variant is present in population databases (rs745823631, gnomAD 0.003%). This variant has not been reported in the literature in individuals affected with IL12RB2-related conditions. An algorithm developed to predict the effect of missense changes on protein structure and function outputs the following: PolyPhen-2: "Benign". The isoleucine amino acid residue is found in multiple mammalian species, which suggests that this missense change does not adversely affect protein function. In summary, the available evidence is currently insufficient to determine the role of this variant in disease. Therefore, it has been classified as a Variant of Uncertain Significance.